The following is an entry in ClinVar:

NC_000016.9:g.(?_53721798)_(53724290_?)del

Gene: RPGRIP1L (RPGRIP1 like; minus strand). Cytogenetic location: 16q12.2.
Variant type: Deletion.
Identifiers: ClinVar variation 2426120 (VCV002426120.6).

ClinVar aggregate classification (germline): Likely pathogenic (1 of 4 stars; one submission).

Conditions:
Joubert syndrome. Also called: CEREBELLOPARENCHYMAL DISORDER IV; JOUBERT-BOLTSHAUSER SYNDROME; Familial aplasia of the vermis. Identifiers: Orphanet 475, MedGen C5979921, MONDO:0018772.
Meckel-Gruber syndrome. Also called: DYSENCEPHALIA SPLANCHNOCYSTICA; GRUBER SYNDROME; Dysencephalia splachnocystica. Identifiers: Orphanet 564, MedGen C0265215, MONDO:0018921.

Submission:

Labcorp Genetics (formerly Invitae), Labcorp
Classification: Likely pathogenic for Joubert syndrome; Meckel-Gruber syndrome. Last evaluated: 2023-07-17. Review status: criteria provided, single submitter. Criteria: Invitae Variant Classification Sherloc (09022015). Collection method: clinical testing. Allele origin: germline.
Comment: In summary, the currently available evidence indicates that the variant is pathogenic, but additional data are needed to prove that conclusively. Therefore, this variant has been classified as Likely Pathogenic. ClinVar contains an entry for this variant (Variation ID: 1804871). This variant has not been reported in the literature in individuals affected with RPGRIP1L-related conditions. This variant results in the deletion of part of exon 5 (c.529+1688_609delins36) of the RPGRIP1L gene. It is expected to disrupt RNA splicing. Variants that disrupt the donor or acceptor splice site typically lead to a loss of protein function (PMID: 16199547), and loss-of-function variants in RPGRIP1L are known to be pathogenic (PMID: 17558409).

Literature cited by the submitters: PubMed 16199547; PubMed 17558409.